The following is an entry in ClinVar:

NM_001083926.2(ASRGL1):c.590T>C (p.Val197Ala)

Gene: ASRGL1 (asparaginase and isoaspartyl peptidase 1; plus strand). Cytogenetic location: 11q12.3.
Variant type: single nucleotide variant.
Coding change: c.590T>C on transcript NM_001083926.2 (MANE Select); coding-DNA position 590, T replaced by C.
Protein change: p.Val197Ala; replaces valine 197 with alanine.
Molecular consequence: missense variant.
Genome position (GRCh38, 1-based): chr11:62,389,231, T>C. VCF-style: chr11-62389231-T-C. GRCh37 (hg19) VCF-style: chr11-62156703-T-C.
Other names: c.590T>C, p.Val197Ala (NM_025080.4); short protein forms V197A.
Identifiers: ClinVar variation 1447956 (VCV001447956.8), dbSNP rs768189188, ClinGen allele CA6043248.
Genomic context (GRCh38, chr11:62,389,231, plus strand): 5'-AAGGGAATGTAGCCTACGCAACCTCCACAGGCGGTATCGTTAATAAAATGGTCGGCCGCG[T>C]TGGGGACTCACCGTGTCTAGGTAGGACCAAGGGATGCCTCCTGCCCCTTCCCCTCTTCTC-3'
Protein context (NP_001077395.1, residues 187-207): GGIVNKMVGR[Val197Ala]GDSPCLGAGG

ClinVar aggregate classification (germline): Uncertain significance (1 of 4 stars; one submission).

Allele frequency attached by ClinVar (database versions not stated): gnomAD exomes 0.00001; TOPMed 0.00001; ExAC 0.00002; gnomAD 0.00002.
gnomAD v4.1: 16 of 1,613,966 alleles (0.00099%); highest among the groups gnomAD compares: Middle Eastern, 0.033%; no homozygotes.

Submission:

Labcorp Genetics (formerly Invitae), Labcorp
Classification: Uncertain significance. Last evaluated: 2023-07-17. Review status: criteria provided, single submitter. Criteria: Invitae Variant Classification Sherloc (09022015). Collection method: clinical testing. Allele origin: germline.
Comment: In summary, the available evidence is currently insufficient to determine the role of this variant in disease. Therefore, it has been classified as a Variant of Uncertain Significance. An algorithm developed to predict the effect of missense changes on protein structure and function (PolyPhen-2) suggests that this variant is likely to be disruptive. ClinVar contains an entry for this variant (Variation ID: 1447956). This variant has not been reported in the literature in individuals affected with ASRGL1-related conditions. This variant is present in population databases (rs768189188, gnomAD 0.003%). This sequence change replaces valine, which is neutral and non-polar, with alanine, which is neutral and non-polar, at codon 197 of the ASRGL1 protein (p.Val197Ala).